The following is an entry in ClinVar:

NM_000493.4(COL10A1):c.1285G>A (p.Ala429Thr)

Genes: COL10A1 (collagen type X alpha 1 chain; minus strand), NT5DC1 (5'-nucleotidase domain containing 1; plus strand). Cytogenetic location: 6q22.1.
Variant type: single nucleotide variant.
Coding change: c.1285G>A on transcript NM_000493.4 (MANE Select); coding-DNA position 1285, G replaced by A.
Protein change: p.Ala429Thr; replaces alanine 429 with threonine.
Molecular consequence: missense variant. On other transcripts: intron variant (1).
Genome position (GRCh38, 1-based): chr6:116,120,831, C>T on the plus strand (G>A on the coding strand, the complement: COL10A1 is on the minus strand). VCF-style: chr6-116120831-C-T. GRCh37 (hg19) VCF-style: chr6-116441994-C-T.
Other names: c.1285G>A (NM_000493.3); c.1285G>A, p.Ala429Thr (NM_001424106.1, NM_001424107.1); c.529+2886C>T (NM_152729.3); short protein forms A429T.
Identifiers: ClinVar variation 1007096 (VCV001007096.11), dbSNP rs781272026, ClinGen allele CA3968209.

ClinVar aggregate classification (germline): Uncertain significance. Review status: criteria provided, multiple submitters, no conflicts (2 of 4 stars). 3 submissions from 3 submitters: Uncertain significance (3). Last evaluated 2025-09-01.

Conditions:
Inborn genetic diseases. Identifiers: MedGen C0950123, MeSH D030342.

Allele frequency attached by ClinVar (database versions not stated): gnomAD below 0.00001 and 0.00003; TOPMed below 0.00001; gnomAD exomes 0.00001 and 0.00004; ExAC 0.00003.
gnomAD v4.1: 23 of 1,613,890 alleles (0.0014%); highest among the groups gnomAD compares: South Asian, 0.025%; no homozygotes.

Submissions (3):

Ambry Genetics
Classification: Uncertain significance for Inborn genetic diseases. Last evaluated: 2025-09-01. Review status: criteria provided, single submitter. Criteria: Ambry Variant Classification Scheme 2023. Collection method: clinical testing. Allele origin: germline.

Women's Health and Genetics/Laboratory Corporation of America, LabCorp
Classification: Uncertain significance. Last evaluated: 2025-05-05. Review status: criteria provided, single submitter. Criteria: LabCorp Variant Classification Summary - May 2015. Collection method: clinical testing. Allele origin: germline.
Comment: Variant summary: COL10A1 c.1285G>A (p.Ala429Thr) results in a non-conservative amino acid change in the encoded protein sequence. Algorithms developed to predict the effect of missense changes on protein structure and function are either unavailable or do not agree on the potential impact of this missense change. The variant allele was found at a frequency of 3.6e-05 in 251010 control chromosomes. The available data on variant occurrences in the general population are insufficient to allow any conclusion about variant significance. To our knowledge, no occurrence of c.1285G>A in individuals affected with Metaphyseal Chondrodysplasia, Schmid Type and no experimental evidence demonstrating its impact on protein function have been reported. ClinVar contains an entry for this variant (Variation ID: 1007096). Based on the evidence outlined above, the variant was classified as uncertain significance.

Labcorp Genetics (formerly Invitae), Labcorp
Classification: Uncertain significance. Last evaluated: 2022-12-02. Review status: criteria provided, single submitter. Criteria: Invitae Variant Classification Sherloc (09022015). Collection method: clinical testing. Allele origin: germline.
Comment: In summary, the available evidence is currently insufficient to determine the role of this variant in disease. Therefore, it has been classified as a Variant of Uncertain Significance. Advanced modeling of protein sequence and biophysical properties (such as structural, functional, and spatial information, amino acid conservation, physicochemical variation, residue mobility, and thermodynamic stability) performed at Invitae indicates that this missense variant is not expected to disrupt COL10A1 protein function. ClinVar contains an entry for this variant (Variation ID: 1007096). This variant has not been reported in the literature in individuals affected with COL10A1-related conditions. This variant is present in population databases (rs781272026, gnomAD 0.03%). This sequence change replaces alanine, which is neutral and non-polar, with threonine, which is neutral and polar, at codon 429 of the COL10A1 protein (p.Ala429Thr).